The following is an entry in ClinVar:

ClinVar aggregate classification (germline): Uncertain significance (1 of 4 stars; one submission).

Conditions:
Hereditary spastic paraplegia 30. Identifiers: Orphanet 101010, MedGen C5235139, MONDO:0012476.
Neuropathy, hereditary sensory, type 2C. Also called: Hereditary sensory and autonomic neuropathy type IIC; KIF1A-Related HSAN2 (HSAN2C). Identifiers: Orphanet 970, MedGen C3280168, MONDO:0013634, OMIM 614213.
Intellectual disability, autosomal dominant 9 (NESCAVS). Also called: NESCAV SYNDROME; KIF1A-Related Neurodevelopmental Disorder. Identifiers: Orphanet 662367, MedGen C5393830, MONDO:0013656, OMIM 614255.

Allele frequency attached by ClinVar (database versions not stated): gnomAD exomes below 0.00001.
gnomAD v4.1: 2 of 1,605,590 alleles (0.00012%); highest among the groups gnomAD compares: South Asian, 0.0022%; no homozygotes.

Submission:

Labcorp Genetics (formerly Invitae), Labcorp
Classification: Uncertain significance for Hereditary spastic paraplegia 30; Neuropathy, hereditary sensory, type 2C; Intellectual disability, autosomal dominant 9. Last evaluated: 2022-08-23. Review status: criteria provided, single submitter. Criteria: Invitae Variant Classification Sherloc (09022015). Collection method: clinical testing. Allele origin: germline.
Comment: ClinVar contains an entry for this variant (Variation ID: 1372312). Algorithms developed to predict the effect of missense changes on protein structure and function are either unavailable or do not agree on the potential impact of this missense change (SIFT: "Deleterious"; PolyPhen-2: "Benign"; Align-GVGD: "Class C0"). In summary, the available evidence is currently insufficient to determine the role of this variant in disease. Therefore, it has been classified as a Variant of Uncertain Significance. This sequence change replaces proline, which is neutral and non-polar, with serine, which is neutral and polar, at codon 763 of the KIF1A protein (p.Pro763Ser). The frequency data for this variant in the population databases is considered unreliable, as metrics indicate poor data quality at this position in the gnomAD database. This variant has not been reported in the literature in individuals affected with KIF1A-related conditions.

NM_001244008.2(KIF1A):c.2314C>T (p.Pro772Ser)

Gene: KIF1A (kinesin family member 1A; minus strand). Cytogenetic location: 2q37.3.
Variant type: single nucleotide variant.
Coding change: c.2314C>T on transcript NM_001244008.2 (MANE Select); coding-DNA position 2314, C replaced by T.
Protein change: p.Pro772Ser; replaces proline 772 with serine.
Molecular consequence: missense variant.
Genome position (GRCh38, 1-based): chr2:240,760,795, G>A on the plus strand (C>T on the coding strand, the complement: KIF1A is on the minus strand). VCF-style: chr2-240760795-G-A. GRCh37 (hg19) VCF-style: chr2-241700212-G-A.
Other names: c.2314C>T, p.Pro772Ser (NM_001320705.2, NM_001330289.2, NM_001379638.1); c.2389C>T, p.Pro797Ser (NM_001330290.2, NM_001379631.1, NM_001379634.1 and 2 more transcripts); c.2287C>T, p.Pro763Ser (NM_001379632.1, NM_001379633.1, NM_001379636.1 and 10 more transcripts); c.2362C>T, p.Pro788Ser (NM_001379637.1, NM_001379648.1); short protein forms P772S, P797S, P763S, P788S.
Identifiers: ClinVar variation 1372312 (VCV001372312.8), dbSNP rs1254232491, ClinGen allele CA351325021.